The following is an entry in ClinVar:

NM_024642.5(GALNT12):c.37G>A (p.Glu13Lys)

Gene: GALNT12 (polypeptide N-acetylgalactosaminyltransferase 12; plus strand). Cytogenetic location: 9q22.33.
Variant type: single nucleotide variant.
Coding change: c.37G>A on transcript NM_024642.5 (MANE Select); coding-DNA position 37, G replaced by A.
Protein change: p.Glu13Lys; replaces glutamic acid 13 with lysine.
Molecular consequence: missense variant.
Genome position (GRCh38, 1-based): chr9:98,807,735, G>A. VCF-style: chr9-98807735-G-A. GRCh37 (hg19) VCF-style: chr9-101570017-G-A.
Other names: short protein forms E13K.
Identifiers: ClinVar variation 1735051 (VCV001735051.2), dbSNP rs2118255070, ClinGen allele CA374222082.

ClinVar aggregate classification (germline): Uncertain significance (1 of 4 stars; one submission).

Submission:

Ambry Genetics
Classification: Uncertain significance. Last evaluated: 2022-07-29. Review status: criteria provided, single submitter. Criteria: Ambry Variant Classification Scheme 2023. Collection method: clinical testing. Allele origin: germline.
Comment: The p.E13K variant (also known as c.37G>A), located in coding exon 1 of the GALNT12 gene, results from a G to A substitution at nucleotide position 37. The glutamic acid at codon 13 is replaced by lysine, an amino acid with similar properties. This amino acid position is conserved. In addition, this alteration is predicted to be tolerated by in silico analysis. Since supporting evidence is limited at this time, the clinical significance of this alteration remains unclear.